The following is an entry in ClinVar:

NM_153460.4(IL17RC):c.727C>G (p.Gln243Glu)

Gene: IL17RC (interleukin 17 receptor C; plus strand). Cytogenetic location: 3p25.3.
Variant type: single nucleotide variant.
Coding change: c.727C>G on transcript NM_153460.4 (MANE Select); coding-DNA position 727, C replaced by G.
Protein change: p.Gln243Glu; replaces glutamine 243 with glutamic acid.
Molecular consequence: missense variant. On other transcripts: non-coding transcript variant (1), intron variant (1).
Genome position (GRCh38, 1-based): chr3:9,923,985, C>G. VCF-style: chr3-9923985-C-G. GRCh37 (hg19) VCF-style: chr3-9965669-C-G.
Other names: c.727C>G, p.Gln243Glu (NM_001203263.2, NM_001203264.2); c.682C>G, p.Gln228Glu (NM_001203265.2, NM_001367280.1, NM_001410711.1 and 1 more transcripts); c.607C>G, p.Gln203Glu (NM_001367279.1); c.940C>G, p.Gln314Glu (NM_153461.4); c.723+4C>G (NM_001367278.1); short protein forms Q203E, Q314E, Q228E, Q243E.
Identifiers: ClinVar variation 4750964 (VCV004750964.1).
Genomic context (GRCh38, chr3:9,923,985, plus strand): 5'-CTGGTTCTGAATGTCTCTGAGGAGCAGCACTTCGGCCTCTCCCTGTACTGGAATCAGGTC[C>G]AGGGCCCCCCAAAACCCCGGTGGCACAAAAACCTGGTGAGGCCTCCCCCTTCCCAAGTCC-3'
Protein context (NP_703190.2, residues 233-253): FGLSLYWNQV[Gln243Glu]GPPKPRWHKN

ClinVar aggregate classification (germline): Uncertain significance (1 of 4 stars; one submission).

Conditions:
Candidiasis, familial, 9 (CANDF9). Identifiers: Orphanet 1334, MedGen C4225324, MONDO:0014642, OMIM 616445.

gnomAD v4.1: 26 of 1,614,136 alleles (0.0016%); highest among the groups gnomAD compares: Middle Eastern, 0.033%; 1 homozygote.

Submission:

Labcorp Genetics (formerly Invitae), Labcorp
Classification: Uncertain significance for Candidiasis, familial, 9. Last evaluated: 2025-08-03. Review status: criteria provided, single submitter. Criteria: Invitae Variant Classification Sherloc (09022015). Collection method: clinical testing. Allele origin: germline.
Comment: This sequence change replaces glutamine, which is neutral and polar, with glutamic acid, which is acidic and polar, at codon 314 of the IL17RC protein (p.Gln314Glu). This variant is present in population databases (rs752152533, gnomAD 0.03%). This variant has not been reported in the literature in individuals affected with IL17RC-related conditions. An algorithm developed to predict the effect of missense changes on protein structure and function (PolyPhen-2) suggests that this variant is likely to be tolerated. In summary, the available evidence is currently insufficient to determine the role of this variant in disease. Therefore, it has been classified as a Variant of Uncertain Significance.